The following is an entry in ClinVar:

NM_001243133.2(NLRP3):c.725C>T (p.Ala242Val)

Gene: NLRP3 (NLR family pyrin domain containing 3; plus strand). Cytogenetic location: 1q44.
Variant type: single nucleotide variant.
Coding change: c.725C>T on transcript NM_001243133.2 (MANE Select); coding-DNA position 725, C replaced by T.
Protein change: p.Ala242Val; replaces alanine 242 with valine.
Molecular consequence: missense variant.
Genome position (GRCh38, 1-based): chr1:247,424,174, C>T. VCF-style: chr1-247424174-C-T. GRCh37 (hg19) VCF-style: chr1-247587476-C-T.
Other names: c.725C>T, p.Ala242Val (NM_001079821.3, NM_001127461.3, NM_001127462.3 and 1 more transcripts); c.731C>T, p.Ala244Val (NM_004895.5); short protein forms A242V, A244V.
Identifiers: ClinVar variation 1304133 (VCV001304133.2), dbSNP rs1041601343, ClinGen allele CA345555293.
Genomic context (GRCh38, chr1:247,424,174, plus strand): 5'-TCCAGGGGGCGGCAGGGATTGGGAAAACAATCCTGGCCAGGAAGATGATGTTGGACTGGG[C>T]GTCGGGGACACTCTACCAAGACAGGTTTGACTATCTGTTCTATATCCACTGTCGAGAGGT-3'
Protein context (NP_001230062.1, residues 232-252): ILARKMMLDW[Ala242Val]SGTLYQDRFD

ClinVar aggregate classification (germline): Uncertain significance (1 of 4 stars; one submission).

gnomAD v4.1: 1 of 1,614,010 alleles (0.000062%); highest among the groups gnomAD compares: Non-Finnish European, 0.000085%; no homozygotes.

Submission:

GeneDx
Classification: Uncertain significance. Last evaluated: 2018-09-11. Review status: criteria provided, single submitter. Criteria: GeneDx Variant Classification Process June 2021. Collection method: clinical testing. Allele origin: germline. Affected: yes.
Comment: Not observed in large population cohorts (Lek et al., 2016); In silico analysis, which includes protein predictors and evolutionary conservation, supports a deleterious effect; Has not been previously published as pathogenic or benign to our knowledge